The following is an entry in ClinVar:

ClinVar aggregate classification (germline): Uncertain significance (1 of 4 stars; one submission).

Submission:

Labcorp Genetics (formerly Invitae), Labcorp
Classification: Uncertain significance. Last evaluated: 2022-05-18. Review status: criteria provided, single submitter. Criteria: Invitae Variant Classification Sherloc (09022015). Collection method: clinical testing. Allele origin: germline.
Comment: Algorithms developed to predict the effect of missense changes on protein structure and function are either unavailable or do not agree on the potential impact of this missense change (SIFT: "Deleterious"; PolyPhen-2: "Possibly Damaging"; Align-GVGD: "Class C0"). In summary, the available evidence is currently insufficient to determine the role of this variant in disease. Therefore, it has been classified as a Variant of Uncertain Significance. This variant has not been reported in the literature in individuals affected with LAMA1-related conditions. This variant is not present in population databases (gnomAD no frequency). This sequence change replaces glutamine, which is neutral and polar, with proline, which is neutral and non-polar, at codon 1707 of the LAMA1 protein (p.Gln1707Pro).

NM_005559.4(LAMA1):c.5120A>C (p.Gln1707Pro)

Gene: LAMA1 (laminin subunit alpha 1; minus strand). Cytogenetic location: 18p11.31.
Variant type: single nucleotide variant.
Coding change: c.5120A>C on transcript NM_005559.4 (MANE Select); coding-DNA position 5120, A replaced by C.
Protein change: p.Gln1707Pro; replaces glutamine 1707 with proline.
Molecular consequence: missense variant.
Genome position (GRCh38, 1-based): chr18:6,992,609, T>G on the plus strand (A>C on the coding strand, the complement: LAMA1 is on the minus strand). VCF-style: chr18-6992609-T-G. GRCh37 (hg19) VCF-style: chr18-6992608-T-G.
Other names: short protein forms Q1707P.
Identifiers: ClinVar variation 1995842 (VCV001995842.4), dbSNP rs2510850066, ClinGen allele CA401841040.